The following is an entry in ClinVar:

NM_003482.4(KMT2D):c.4525_4528del (p.Ile1509fs)

Gene: KMT2D (lysine methyltransferase 2D; minus strand). Cytogenetic location: 12q13.12.
Variant type: Deletion.
Coding change: c.4525_4528del on transcript NM_003482.4 (MANE Select); coding-DNA positions 4525 to 4528, 4 bases deleted (ATCT; older notation c.4525_4528delATCT).
Protein change: p.Ile1509fs; shifts the reading frame from isoleucine 1509.
Molecular consequence: frameshift variant.
Genome position (GRCh38, 1-based): chr12:49,046,315-49,046,318, AGAT deleted on the plus strand (ATCT on the coding strand, the reverse complement: KMT2D is on the minus strand); deleting any 4 consecutive bases within chr12:49,046,315-49,046,320 gives the same sequence; the c. name uses the placement nearest the transcript's 3' end. VCF-style (leftmost placement, unchanged base first): chr12-49046314-CAGAT-C. GRCh37 (hg19) VCF-style: chr12-49440097-CAGAT-C.
Other names: c.4525_4528delATCT (NM_003482.3); short protein forms I1509fs.
Identifiers: ClinVar variation 652440 (VCV000652440.4), dbSNP rs1592145939, ClinGen allele CA915948405.
Genomic context (GRCh38, chr12:49,046,314, plus strand): 5'-TCTCACCGTTCACAGTGGCGGCACTGGATTAGTAGGTCCTCTTCTACGTAAGGAGCATGA[CAGAT>C]AGGGCAGGTCACCAGGCTGGCACAGGGCCCACAGTGTGTGTAACTATTCTGCCATTCACA-3'

ClinVar aggregate classification (germline): Pathogenic. Review status: criteria provided, multiple submitters, no conflicts (2 of 4 stars). 2 submissions from 2 submitters: Pathogenic (2). Last evaluated 2020-10-29.

Conditions:
Kabuki syndrome. Also called: Kabuki make-up syndrome; NIIKAWA-KUROKI SYNDROME. Identifiers: Orphanet 2322, MedGen C0796004, MONDO:0016512.

Submissions (2):

GeneDx
Classification: Pathogenic. Last evaluated: 2020-10-29. Review status: criteria provided, single submitter. Criteria: GeneDx Variant Classification Process June 2021. Collection method: clinical testing. Allele origin: germline. Affected: yes.
Comment: Frameshift variant predicted to result in protein truncation or nonsense mediated decay in a gene for which loss-of-function is a known mechanism of disease; Not observed in large population cohorts (Lek et al., 2016); Has not been previously published as pathogenic or benign to our knowledge

Labcorp Genetics (formerly Invitae), Labcorp
Classification: Pathogenic for Kabuki syndrome. Last evaluated: 2020-03-06. Review status: criteria provided, single submitter. Criteria: Invitae Variant Classification Sherloc (09022015). Collection method: clinical testing. Allele origin: germline.
Comment: This sequence change creates a premature translational stop signal (p.Ile1509Valfs*6) in the KMT2D gene. It is expected to result in an absent or disrupted protein product. This variant is not present in population databases (ExAC no frequency). This variant has not been reported in the literature in individuals with KMT2D-related conditions. ClinVar contains an entry for this variant (Variation ID: 652440). Loss-of-function variants in KMT2D are known to be pathogenic (PMID: 22126750). For these reasons, this variant has been classified as Pathogenic.

Literature cited by the submitters: PubMed 22126750 (cited by Labcorp Genetics (formerly Invitae), Labcorp).